The following is an entry in ClinVar:

ClinVar aggregate classification (germline): Uncertain significance. Review status: criteria provided, single submitter (1 of 4 stars). 2 submissions from 2 submitters: Uncertain significance (1). 1 of the submissions does not count toward it. Last evaluated 2025-11-25.

Conditions:
ACTN1-related disorder. Also called: ACTN1-related condition.

Allele frequency attached by ClinVar (database versions not stated): gnomAD 0.00008; ExAC 0.00012; 1000 Genomes Project 30x 0.00062; gnomAD exomes 0.00004; TOPMed 0.00012; 1000 Genomes Project 0.00060.
gnomAD v4.1: 79 of 1,613,418 alleles (0.0049%); highest among the groups gnomAD compares: South Asian, 0.046%; 1 homozygote.

Submissions (2):

Labcorp Genetics (formerly Invitae), Labcorp
Classification: Uncertain significance. Last evaluated: 2025-11-25. Review status: criteria provided, single submitter. Criteria: Invitae Variant Classification Sherloc (09022015). Collection method: clinical testing. Allele origin: germline.
Comment: This sequence change falls in intron 8 of the ACTN1 gene. It does not directly change the encoded amino acid sequence of the ACTN1 protein. It affects a nucleotide within the consensus splice site. This variant is present in population databases (rs185076121, gnomAD 0.04%), and has an allele count higher than expected for a pathogenic variant. This variant has not been reported in the literature in individuals affected with ACTN1-related conditions. ClinVar contains an entry for this variant (Variation ID: 2913339). Variants that disrupt the consensus splice site are a relatively common cause of aberrant splicing (PMID: 17576681, 9536098). Algorithms developed to predict the effect of sequence changes on RNA splicing suggest that this variant is not likely to affect RNA splicing. In summary, the available evidence is currently insufficient to determine the role of this variant in disease. Therefore, it has been classified as a Variant of Uncertain Significance.

PreventionGenetics, part of Exact Sciences
Classification: Likely benign for ACTN1-related condition. Last evaluated: 2022-01-17. Review status: no assertion criteria provided. Collection method: clinical testing. Allele origin: germline. Not counted in ClinVar's aggregate classification.
Comment: This variant is classified as likely benign based on ACMG/AMP sequence variant interpretation guidelines (Richards et al. 2015 PMID: 25741868, with internal and published modifications).

Literature cited by the submitters: PubMed 17576681 (cited by Labcorp Genetics (formerly Invitae), Labcorp); PubMed 9536098 (cited by Labcorp Genetics (formerly Invitae), Labcorp).

NM_001130004.2(ACTN1):c.762+6C>T

Gene: ACTN1 (actinin alpha 1; minus strand). Cytogenetic location: 14q24.1.
Variant type: single nucleotide variant.
Coding change: c.762+6C>T on transcript NM_001130004.2 (MANE Select); 6 bases into the intron after coding-DNA position 762, C replaced by T.
Molecular consequence: intron variant.
Genome position (GRCh38, 1-based): chr14:68,902,471, G>A on the plus strand (C>T on the coding strand, the complement: ACTN1 is on the minus strand). VCF-style: chr14-68902471-G-A. GRCh37 (hg19) VCF-style: chr14-69369188-G-A.
Other names: c.762+6C>T (NM_001130004.1, NM_001424029.1, NM_001424027.1 and 10 more transcripts); c.-149+6C>T (NM_001424030.1); c.888+6C>T (NM_001424013.1); c.699+6C>T (NM_001424022.1, NM_001424020.1, NM_001424018.1); c.567+6C>T (NM_001424026.1, NM_001424028.1, NM_001411036.1); c.693+6C>T (NM_001424021.1); c.759+6C>T (NM_001424017.1); c.849+6C>T (NM_001424015.1).
Identifiers: ClinVar variation 2913339 (VCV002913339.5), dbSNP rs185076121, ClinGen allele CA7242589.